The following is an entry in ClinVar:

ClinVar aggregate classification (germline): Uncertain significance (1 of 4 stars; one submission).

Conditions:
Fontaine progeroid syndrome. Also called: Gorlin-Chaudhry-Moss syndrome; Progeroid syndrome congenital Petty type; Petty Laxova Wiedemann syndrome; SLC25A24 Fontaine Progeroid Syndrome; CRANIOFACIAL DYSOSTOSIS, HYPERTRICHOSIS, HYPOPLASIA OF LABIA MAJORA, DENTAL AND EYE ANOMALIES, PATENT DUCTUS ARTERIOSUS, AND NORMAL INTELLIGENCE; Craniofacial dysostosis, patent ductus arteriosus, hypertrichosis, hypoplasia of labia majora, dental and eye anomalies. Identifiers: Orphanet 2095, MedGen C2676780, MONDO:0012853, OMIM 612289.

Submission:

Juno Genomics, Hangzhou Juno Genomics, Inc
Classification: Uncertain significance for Fontaine progeroid syndrome. Review status: criteria provided, single submitter. Criteria: ACMG Guidelines, 2015. Collection method: clinical testing. Allele origin: germline.
Comment: Absent from controls (or at extremely low frequency if recessive) in Genome Aggregation Database.

NM_013386.5(SLC25A24):c.789_790del (p.Glu264fs)

Gene: SLC25A24 (solute carrier family 25 member 24; minus strand). Cytogenetic location: 1p13.3.
Variant type: Deletion.
Coding change: c.789_790del on transcript NM_013386.5 (MANE Select); coding-DNA positions 789 to 790, 2 bases deleted (TG; older notation c.789_790delTG).
Protein change: p.Glu264fs; shifts the reading frame from glutamic acid 264.
Molecular consequence: frameshift variant.
Genome position (GRCh38, 1-based): chr1:108,155,015-108,155,016, CA deleted on the plus strand (TG on the coding strand, the reverse complement: SLC25A24 is on the minus strand). VCF-style (leftmost placement, unchanged base first): chr1-108155014-TCA-T. GRCh37 (hg19) VCF-style: chr1-108697636-TCA-T.
Other names: c.732_733del, p.Glu245fs (NM_213651.3); short protein forms E264fs, E245fs.
Identifiers: ClinVar variation 5005530 (VCV005005530.2).